The following is an entry in ClinVar:

ClinVar aggregate classification (germline): Uncertain significance (1 of 4 stars; one submission).

Allele frequency attached by ClinVar (database versions not stated): TOPMed below 0.00001.
gnomAD v4.1: 1 of 1,605,412 alleles (0.000062%); no homozygotes.

Submission:

Labcorp Genetics (formerly Invitae), Labcorp
Classification: Uncertain significance. Last evaluated: 2023-04-24. Review status: criteria provided, single submitter. Criteria: Invitae Variant Classification Sherloc (09022015). Collection method: clinical testing. Allele origin: germline.
Comment: In summary, the available evidence is currently insufficient to determine the role of this variant in disease. Therefore, it has been classified as a Variant of Uncertain Significance. This sequence change replaces arginine, which is basic and polar, with glycine, which is neutral and non-polar, at codon 15 of the RARS2 protein (p.Arg15Gly). This variant is not present in population databases (gnomAD no frequency). This variant has not been reported in the literature in individuals affected with RARS2-related conditions. ClinVar contains an entry for this variant (Variation ID: 1906151). Advanced modeling of protein sequence and biophysical properties (such as structural, functional, and spatial information, amino acid conservation, physicochemical variation, residue mobility, and thermodynamic stability) performed at Invitae indicates that this missense variant is not expected to disrupt RARS2 protein function.

NM_020320.5(RARS2):c.43A>G (p.Arg15Gly)

Gene: RARS2 (arginyl-tRNA synthetase 2, mitochondrial; minus strand). Cytogenetic location: 6q15.
Variant type: single nucleotide variant.
Coding change: c.43A>G on transcript NM_020320.5 (MANE Select); coding-DNA position 43, A replaced by G.
Protein change: p.Arg15Gly; replaces arginine 15 with glycine.
Molecular consequence: missense variant. On other transcripts: 5 prime UTR variant (6), non-coding transcript variant (21), intron variant (1).
Genome position (GRCh38, 1-based): chr6:87,569,584, T>C on the plus strand (A>G on the coding strand, the complement: RARS2 is on the minus strand). VCF-style: chr6-87569584-T-C. GRCh37 (hg19) VCF-style: chr6-88279302-T-C.
Other names: c.-427A>G (NM_001318785.2); c.43A>G, p.Arg15Gly (NM_001350505.2); c.-483A>G (NM_001350506.2, NM_001350507.2, NM_001350510.2); c.-645A>G (NM_001350508.2); c.-602A>G (NM_001350511.2); c.-359-5352A>G (NM_001350509.2); short protein forms R15G.
Identifiers: ClinVar variation 1906151 (VCV001906151.5), dbSNP rs967296841, ClinGen allele CA142880685.